The following is an entry in ClinVar:

NM_144997.7(FLCN):c.1301-10_1301-5del

Gene: FLCN (folliculin; minus strand). Cytogenetic location: 17p11.2.
Variant type: Deletion.
Coding change: c.1301-10_1301-5del on transcript NM_144997.7 (MANE Select); 10 bases into the intron before coding-DNA position 1301 through 5 bases into the intron before coding-DNA position 1301, 6 bases deleted (GTTGTT; older notation c.1301-10_1301-5delGTTGTT).
Molecular consequence: intron variant.
Genome position (GRCh38, 1-based): chr17:17,215,321-17,215,326, AACAAC deleted on the plus strand (GTTGTT on the coding strand, the reverse complement: FLCN is on the minus strand); deleting any 6 consecutive bases within chr17:17,215,321-17,215,327 gives the same sequence; the c. name uses the placement nearest the transcript's 3' end. VCF-style (leftmost placement, unchanged base first): chr17-17215320-TAACAAC-T. GRCh37 (hg19) VCF-style: chr17-17118634-TAACAAC-T.
Other names: c.1301-10_1301-5del (NM_001353231.2, NM_001353230.2); c.1355-10_1355-5del (NM_001353229.2).
Identifiers: ClinVar variation 1769407 (VCV001769407.3), dbSNP rs2544149527, ClinGen allele CA2580092712.
Genomic context (GRCh38, chr17:17,215,320, plus strand): 5'-CCACAGGGTGGAGGGTGGAACGTGCGGCTGCGTGGACCTCCACGATGACAGCAAACTCTG[TAACAAC>T]ACAAGGCCCGTGGCTCCTCATCTCCCCCATGCTCCTCACCTCCCCTGCGCTAGCCCACCG-3'

ClinVar aggregate classification (germline): Uncertain significance (1 of 4 stars; one submission).

Conditions:
Hereditary cancer-predisposing syndrome. Also called: Tumor predisposition; Hereditary Cancer Syndrome; Hereditary neoplastic syndrome; Neoplastic Syndromes, Hereditary. Identifiers: Orphanet 140162, MedGen C0027672, MeSH D009386, MONDO:0015356.

Submission:

Ambry Genetics
Classification: Uncertain significance for Hereditary cancer-predisposing syndrome. Last evaluated: 2026-02-16. Review status: criteria provided, single submitter. Criteria: Ambry Variant Classification Scheme 2023. Collection method: clinical testing. Allele origin: germline.
Comment: The c.1301-10_1301-5delGTTGTT intronic variant, located in intron 8 of the FLCN gene, results from a deletion of 6 nucleotides within intron 8 of the FLCN gene. These nucleotide positions are not well conserved in available vertebrate species. In silico splice site analysis predicts that this alteration will weaken the native splice acceptor site. Based on the available evidence, the clinical significance of this variant remains unclear.